The following is an entry in ClinVar:

NM_152564.5(VPS13B):c.8215dup (p.Cys2739fs)

Gene: VPS13B (vacuolar protein sorting 13 homolog B; plus strand). Cytogenetic location: 8q22.2.
Variant type: Duplication.
Coding change: c.8215dup on transcript NM_152564.5 (MANE Select); coding-DNA position 8215, one base duplicated (T; older notation c.8215dupT).
Protein change: p.Cys2739fs; shifts the reading frame from cysteine 2739.
Molecular consequence: frameshift variant.
Genome position (GRCh38, 1-based): chr8:99,817,657, T duplicated. VCF-style (leftmost placement, unchanged base first): chr8-99817656-C-CT. GRCh37 (hg19) VCF-style: chr8-100829884-C-CT.
Other names: c.8290dup, p.Cys2764fs (NM_017890.5); short protein forms C2764fs, C2739fs.
Identifiers: ClinVar variation 2832337 (VCV002832337.3), dbSNP rs2492005812, ClinGen allele CA2739265780.

ClinVar aggregate classification (germline): Pathogenic (1 of 4 stars; one submission).

Conditions:
Cohen syndrome (COH1). Also called: PEPPER SYNDROME; Cutis verticis gyrata, retinitis pigmentosa, and sensorineural deafness. Identifiers: Orphanet 193, MedGen C0265223, MONDO:0008999, OMIM 216550.

Submission:

Labcorp Genetics (formerly Invitae), Labcorp
Classification: Pathogenic for Cohen syndrome. Last evaluated: 2023-09-23. Review status: criteria provided, single submitter. Criteria: Invitae Variant Classification Sherloc (09022015). Collection method: clinical testing. Allele origin: germline.
Comment: For these reasons, this variant has been classified as Pathogenic. This variant has not been reported in the literature in individuals affected with VPS13B-related conditions. This variant is not present in population databases (gnomAD no frequency). This sequence change creates a premature translational stop signal (p.Cys2764Leufs*17) in the VPS13B gene. It is expected to result in an absent or disrupted protein product. Loss-of-function variants in VPS13B are known to be pathogenic (PMID: 15141358, 16648375, 20461111).

Literature cited by the submitters: PubMed 15141358; PubMed 16648375; PubMed 20461111.